The following is an entry in ClinVar:

ClinVar aggregate classification (germline): Uncertain significance. Review status: criteria provided, multiple submitters, no conflicts (2 of 4 stars). 2 submissions from 2 submitters: Uncertain significance (2). Last evaluated 2025-08-10.

Conditions:
Charcot-Marie-Tooth disease type 2. Also called: Charcot-Marie-Tooth type 2. Identifiers: Orphanet 64746, MedGen C0270914, MONDO:0018993.

Allele frequency attached by ClinVar (database versions not stated): gnomAD 0.00002; TOPMed 0.00001; gnomAD exomes 0.00003.
gnomAD v4.1: 45 of 1,613,658 alleles (0.0028%); highest among the groups gnomAD compares: African/African-American, 0.004%; no homozygotes.

Submissions (2):

Ambry Genetics
Classification: Uncertain significance. Last evaluated: 2025-08-10. Review status: criteria provided, single submitter. Criteria: Ambry Variant Classification Scheme 2023. Collection method: clinical testing. Allele origin: germline.

Labcorp Genetics (formerly Invitae), Labcorp
Classification: Uncertain significance for Charcot-Marie-Tooth disease type 2. Last evaluated: 2024-08-20. Review status: criteria provided, single submitter. Criteria: Invitae Variant Classification Sherloc (09022015). Collection method: clinical testing. Allele origin: germline.
Comment: This sequence change replaces glutamic acid, which is acidic and polar, with glutamine, which is neutral and polar, at codon 555 of the KIF1B protein (p.Glu555Gln). This variant is present in population databases (rs754357982, gnomAD 0.004%). This variant has not been reported in the literature in individuals affected with KIF1B-related conditions. ClinVar contains an entry for this variant (Variation ID: 1777535). Invitae Evidence Modeling of protein sequence and biophysical properties (such as structural, functional, and spatial information, amino acid conservation, physicochemical variation, residue mobility, and thermodynamic stability) indicates that this missense variant is not expected to disrupt KIF1B protein function with a negative predictive value of 80%. In summary, the available evidence is currently insufficient to determine the role of this variant in disease. Therefore, it has been classified as a Variant of Uncertain Significance.

NM_001365951.3(KIF1B):c.1801G>C (p.Glu601Gln)

Gene: KIF1B (kinesin family member 1B; plus strand). Cytogenetic location: 1p36.22.
Variant type: single nucleotide variant.
Coding change: c.1801G>C on transcript NM_001365951.3 (MANE Select); coding-DNA position 1801, G replaced by C.
Protein change: p.Glu601Gln; replaces glutamic acid 601 with glutamine.
Molecular consequence: missense variant.
Genome position (GRCh38, 1-based): chr1:10,296,605, G>C. VCF-style: chr1-10296605-G-C. GRCh37 (hg19) VCF-style: chr1-10356663-G-C.
Other names: c.1801G>C, p.Glu601Gln (NM_001365952.1); c.1663G>C, p.Glu555Gln (NM_001365953.1, NM_015074.3, NM_183416.4); short protein forms E555Q, E601Q.
Identifiers: ClinVar variation 1777535 (VCV001777535.9), dbSNP rs754357982, ClinGen allele CA17813569.
Genomic context (GRCh38, chr1:10,296,605, plus strand): 5'-TGTAATGATAACATTAGTTTGTGTTTGTTCCTCTTAGTTATCGTGACCTTAGAGCCCTGT[G>C]AGCGCTCAGAAACCTACGTAAATGGCAAGAGGGTGTCCCAGCCTGTTCAGCTGCGCTCAG-3'
Protein context (NP_001352880.1, residues 591-611): GEVIVTLEPC[Glu601Gln]RSETYVNGKR